The following is an entry in ClinVar:

ClinVar aggregate classification (germline): Uncertain significance (1 of 4 stars; one submission).

Conditions:
Fibrous dysplasia of jaw (CRBM). Also called: Cherubism. Identifiers: Orphanet 184, MedGen C0008029, MONDO:0007315, OMIM 118400.

Submission:

Labcorp Genetics (formerly Invitae), Labcorp
Classification: Uncertain significance for Fibrous dysplasia of jaw. Last evaluated: 2023-03-02. Review status: criteria provided, single submitter. Criteria: Invitae Variant Classification Sherloc (09022015). Collection method: clinical testing. Allele origin: germline.
Comment: In summary, the available evidence is currently insufficient to determine the role of this variant in disease. Therefore, it has been classified as a Variant of Uncertain Significance. Advanced modeling of protein sequence and biophysical properties (such as structural, functional, and spatial information, amino acid conservation, physicochemical variation, residue mobility, and thermodynamic stability) performed at Invitae indicates that this missense variant is not expected to disrupt SH3BP2 protein function. This variant has not been reported in the literature in individuals affected with SH3BP2-related conditions. This variant is not present in population databases (gnomAD no frequency). This sequence change replaces glutamine, which is neutral and polar, with histidine, which is basic and polar, at codon 433 of the SH3BP2 protein (p.Gln433His).

NM_001122681.2(SH3BP2):c.1299A>C (p.Gln433His)

Gene: SH3BP2 (SH3 domain binding protein 2; plus strand). Cytogenetic location: 4p16.3.
Variant type: single nucleotide variant.
Coding change: c.1299A>C on transcript NM_001122681.2 (MANE Select); coding-DNA position 1299, A replaced by C.
Protein change: p.Gln433His; replaces glutamine 433 with histidine.
Molecular consequence: missense variant.
Genome position (GRCh38, 1-based): chr4:2,831,628, A>C. VCF-style: chr4-2831628-A-C. GRCh37 (hg19) VCF-style: chr4-2833355-A-C.
Other names: c.1383A>C, p.Gln461His (NM_001145855.2); c.1470A>C, p.Gln490His (NM_001145856.2); c.1299A>C, p.Gln433His (NM_003023.4); short protein forms Q490H, Q461H, Q433H.
Identifiers: ClinVar variation 2776812 (VCV002776812.3), dbSNP rs886059357, ClinGen allele CA356057784.